The following is an entry in ClinVar:

NM_139215.3(TAF15):c.1269_1295dup (p.Gly424_Ser432dup)

Gene: TAF15 (TATA-box binding protein associated factor 15; plus strand). Cytogenetic location: 17q12.
Variant type: Duplication.
Coding change: c.1269_1295dup on transcript NM_139215.3 (MANE Select); coding-DNA positions 1269 to 1295, 27 bases duplicated (TGGGGGTGGCTATGGTGGAGACAGAAG).
Protein change: p.Gly424_Ser432dup.
Molecular consequence: inframe insertion.
Genome position (GRCh38, 1-based): chr17:35,844,568-35,844,594, TGGGGGTGGCTATGGTGGAGACAGAAG duplicated; duplicating any 27 consecutive bases within chr17:35,844,548-35,844,594 gives the same sequence; the c. name uses the placement nearest the transcript's 3' end. VCF-style (leftmost placement, unchanged base first): chr17-35844547-C-CGGCTATGGTGGAGACAGAAGTGGGGGT. GRCh37 (hg19) VCF-style: chr17-34171551-C-CGGCTATGGTGGAGACAGAAGTGGGGGT.
Other names: c.1260_1286dup, p.Gly421_Ser429dup (NM_003487.4); c.1269_1295dup27 (NM_139215.2).
Identifiers: ClinVar variation 1306057 (VCV001306057.4), dbSNP rs1440860624, ClinGen allele CA728397012.

ClinVar aggregate classification (germline): Uncertain significance. Review status: criteria provided, single submitter (1 of 4 stars). 2 submissions from 2 submitters: Uncertain significance (1). 1 of the submissions does not count toward it. Last evaluated 2019-06-03.

Conditions:
TAF15-related disorder. Also called: TAF15-related condition.

Submissions (2):

GeneDx
Classification: Uncertain significance. Last evaluated: 2019-06-03. Review status: criteria provided, single submitter. Criteria: GeneDx Variant Classification Process June 2021. Collection method: clinical testing. Allele origin: germline. Affected: yes.
Comment: Not observed in large population cohorts (Lek et al., 2016); In silico analysis, which includes protein predictors and evolutionary conservation, supports that this variant does not alter protein structure/function; Has not been previously published as pathogenic or benign to our knowledge

PreventionGenetics, part of Exact Sciences
Classification: Likely benign for TAF15-related condition. Last evaluated: 2022-06-08. Review status: no assertion criteria provided. Collection method: clinical testing. Allele origin: germline. Not counted in ClinVar's aggregate classification.
Comment: This variant is classified as likely benign based on ACMG/AMP sequence variant interpretation guidelines (Richards et al. 2015 PMID: 25741868, with internal and published modifications).